The following is an entry in ClinVar:

ClinVar aggregate classification (germline): Uncertain significance (1 of 4 stars; one submission).

Allele frequency attached by ClinVar (database versions not stated): gnomAD exomes 0.00001; ExAC 0.00002; ESP Exome Variant Server 0.00008.
gnomAD v4.1: 19 of 1,613,872 alleles (0.0012%); highest among the groups gnomAD compares: African/African-American, 0.019%; no homozygotes.

Submission:

Ambry Genetics
Classification: Uncertain significance. Last evaluated: 2023-10-06. Review status: criteria provided, single submitter. Criteria: Ambry Variant Classification Scheme 2023. Collection method: clinical testing. Allele origin: germline.
Comment: The p.A603V variant (also known as c.1808C>T), located in coding exon 16 of the BUB1 gene, results from a C to T substitution at nucleotide position 1808. The alanine at codon 603 is replaced by valine, an amino acid with similar properties. This amino acid position is conserved. In addition, this alteration is predicted to be tolerated by in silico analysis. Since supporting evidence is limited at this time, the clinical significance of this alteration remains unclear.

NM_004336.5(BUB1):c.1808C>T (p.Ala603Val)

Gene: BUB1 (BUB1 mitotic checkpoint serine/threonine kinase; minus strand). Cytogenetic location: 2q13.
Variant type: single nucleotide variant.
Coding change: c.1808C>T on transcript NM_004336.5 (MANE Select); coding-DNA position 1808, C replaced by T.
Protein change: p.Ala603Val; replaces alanine 603 with valine.
Molecular consequence: missense variant.
Genome position (GRCh38, 1-based): chr2:110,655,807, G>A on the plus strand (C>T on the coding strand, the complement: BUB1 is on the minus strand). VCF-style: chr2-110655807-G-A. GRCh37 (hg19) VCF-style: chr2-111413384-G-A.
Other names: c.1748C>T, p.Ala583Val (NM_001278616.2); c.1808C>T, p.Ala603Val (NM_001278617.2); short protein forms A603V, A583V.
Identifiers: ClinVar variation 1780510 (VCV001780510.2), dbSNP rs371563396, ClinGen allele CA1827967.